The following is an entry in ClinVar:

NM_015294.6(TRIM37):c.1894_1895del (p.Glu632fs)

Gene: TRIM37 (tripartite motif containing 37; minus strand). Cytogenetic location: 17q22.
Variant type: Deletion.
Coding change: c.1894_1895del on transcript NM_015294.6 (MANE Select); coding-DNA positions 1894 to 1895, 2 bases deleted (GA; older notation c.1894_1895delGA).
Protein change: p.Glu632fs; shifts the reading frame from glutamic acid 632.
Molecular consequence: frameshift variant. On other transcripts: non-coding transcript variant (2).
Genome position (GRCh38, 1-based): chr17:59,031,949-59,031,950, TC deleted on the plus strand (GA on the coding strand, the reverse complement: TRIM37 is on the minus strand); deleting any 2 consecutive bases within chr17:59,031,949-59,031,951 gives the same sequence; the c. name uses the placement nearest the transcript's 3' end. VCF-style (leftmost placement, unchanged base first): chr17-59031948-TTC-T. GRCh37 (hg19) VCF-style: chr17-57109309-TTC-T.
Other names: c.1894_1895del, p.Glu632fs (NM_001005207.5, NM_001320988.3, NM_001320989.3 and 1 more transcripts); c.1792_1793del, p.Glu598fs (NM_001320987.3, NM_001353082.2); c.1528_1529del, p.Glu510fs (NM_001320990.3); c.1159_1160del, p.Glu387fs (NM_001353083.2); c.1432_1433del, p.Glu478fs (NM_001353085.2); c.1843_1844del, p.Glu615fs (NM_001353086.2); short protein forms E598fs, E387fs, E510fs, E632fs, E478fs, E615fs.
Identifiers: ClinVar variation 56566 (VCV000056566.8), dbSNP rs386834002, ClinGen allele CA144371.

ClinVar aggregate classification (germline): Pathogenic. Review status: criteria provided, multiple submitters, no conflicts (2 of 4 stars). 3 submissions from 3 submitters: Pathogenic (2). 1 of the submissions does not count toward it. Last evaluated 2025-04-01.

Conditions:
Mulibrey nanism syndrome. Also called: MUSCLE-LIVER-BRAIN-EYE NANISM; PERHEENTUPA SYNDROME; PERICARDIAL CONSTRICTION AND GROWTH FAILURE. Identifiers: Orphanet 2576, MedGen C0524582, MONDO:0009664, OMIM 253250.

Submissions (3):

Labcorp Genetics (formerly Invitae), Labcorp
Classification: Pathogenic. Last evaluated: 2025-04-01. Review status: criteria provided, single submitter. Criteria: Invitae Variant Classification Sherloc (09022015). Collection method: clinical testing. Allele origin: germline.
Comment: This sequence change creates a premature translational stop signal (p.Glu632Lysfs*25) in the TRIM37 gene. It is expected to result in an absent or disrupted protein product. Loss-of-function variants in TRIM37 are known to be pathogenic (PMID: 10888877, 15108285). The frequency data for this variant in the population databases is considered unreliable, as metrics indicate poor data quality at this position in the gnomAD database. This premature translational stop signal has been observed in individual(s) with mulibrey nanism (PMID: 17551331). ClinVar contains an entry for this variant (Variation ID: 56566). For these reasons, this variant has been classified as Pathogenic.

Baylor Genetics
Classification: Pathogenic for Mulibrey nanism syndrome. Last evaluated: 2022-10-24. Review status: criteria provided, single submitter. Criteria: ACMG Guidelines, 2015. Collection method: clinical testing. Allele origin: unknown.

Juha Muilu Group; Institute for Molecular Medicine Finland (FIMM)
Classification: Likely pathogenic for Mulibrey nanism syndrome. Review status: no assertion criteria provided. Collection method: not provided. Allele origin: unknown. Not counted in ClinVar's aggregate classification.
Comment: FinDis database variant: This variant was not found or characterized by our laboratory, data were collected from public sources: see reference
ClinVar note: Converted during submission from probable-pathogenic to Likely pathogenic.

Literature cited by the submitters: PubMed 10888877 (cited by Labcorp Genetics (formerly Invitae), Labcorp); PubMed 15108285 (cited by Labcorp Genetics (formerly Invitae), Labcorp); PubMed 17551331 (cited by Labcorp Genetics (formerly Invitae), Labcorp).